The following is an entry in ClinVar:

NM_000257.4(MYH7):c.4831G>A (p.Ala1611Thr)

Genes: MHRT (myosin heavy chain associated RNA transcript; plus strand), MYH7 (myosin heavy chain 7; minus strand), LOC126861897 (BRD4-independent group 4 enhancer GRCh37_chr14:23884455-23885654; plus strand). Cytogenetic location: 14q11.2.
Variant type: single nucleotide variant.
Coding change: c.4831G>A on transcript NM_000257.4 (MANE Select); coding-DNA position 4831, G replaced by A.
Protein change: p.Ala1611Thr; replaces alanine 1611 with threonine.
Molecular consequence: missense variant. On other transcripts: non-coding transcript variant (1).
Genome position (GRCh38, 1-based): chr14:23,416,126, C>T on the plus strand (G>A on the coding strand, the complement: MYH7 is on the minus strand). VCF-style: chr14-23416126-C-T. GRCh37 (hg19) VCF-style: chr14-23885335-C-T.
Other names: c.4831G>A, p.Ala1611Thr (NM_001407004.1); short protein forms A1611T.
Identifiers: ClinVar variation 2799203 (VCV002799203.3), dbSNP rs730880913, ClinGen allele CA389037550.

ClinVar aggregate classification (germline): Uncertain significance (1 of 4 stars; one submission).

Conditions:
Hypertrophic cardiomyopathy. Also called: HYPERTROPHIC MYOCARDIOPATHY. Identifiers: Orphanet 217569, MedGen C0007194, MeSH D002312, MONDO:0005045, HP:0001639.

Submission:

Labcorp Genetics (formerly Invitae), Labcorp
Classification: Uncertain significance for Hypertrophic cardiomyopathy. Last evaluated: 2023-07-19. Review status: criteria provided, single submitter. Criteria: Invitae Variant Classification Sherloc (09022015). Collection method: clinical testing. Allele origin: germline.
Comment: In summary, the available evidence is currently insufficient to determine the role of this variant in disease. Therefore, it has been classified as a Variant of Uncertain Significance. Advanced modeling of protein sequence and biophysical properties (such as structural, functional, and spatial information, amino acid conservation, physicochemical variation, residue mobility, and thermodynamic stability) performed at Invitae indicates that this missense variant is expected to disrupt MYH7 protein function. This variant has not been reported in the literature in individuals affected with MYH7-related conditions. This variant is not present in population databases (gnomAD no frequency). This sequence change replaces alanine, which is neutral and non-polar, with threonine, which is neutral and polar, at codon 1611 of the MYH7 protein (p.Ala1611Thr).